The following is an entry in ClinVar:

NM_025114.4(CEP290):c.6394_6397dup (p.Thr2133fs)

Gene: CEP290 (centrosomal protein 290; minus strand). Cytogenetic location: 12q21.32.
Variant type: Duplication.
Coding change: c.6394_6397dup on transcript NM_025114.4 (MANE Select); coding-DNA positions 6394 to 6397, 4 bases duplicated (AAAA; older notation c.6394_6397dupAAAA).
Protein change: p.Thr2133fs; shifts the reading frame from threonine 2133.
Molecular consequence: frameshift variant.
Genome position (GRCh38, 1-based): chr12:88,060,955-88,060,958, TTTT duplicated on the plus strand (AAAA on the coding strand, the reverse complement: CEP290 is on the minus strand); duplicating any 4 consecutive bases within chr12:88,060,955-88,060,960 gives the same sequence; the c. name uses the placement nearest the transcript's 3' end. VCF-style (leftmost placement, unchanged base first): chr12-88060954-G-GTTTT. GRCh37 (hg19) VCF-style: chr12-88454731-G-GTTTT.
Other names: short protein forms T2133fs.
Identifiers: ClinVar variation 5015228 (VCV005015228.1).

ClinVar aggregate classification (germline): Pathogenic (1 of 4 stars; one submission).

Conditions:
CEP290-related ciliopathy. Also called: CEP290 ciliopathy. Identifiers: MedGen CN305601, MONDO:0100451.

Submission:

Myriad Genetics, Inc.
Classification: Pathogenic for CEP290-related ciliopathy. Last evaluated: 2025-11-17. Review status: criteria provided, single submitter. Criteria: Myriad Autosomal Dominant, Autosomal Recessive and X-Linked Classification Criteria (2023). Collection method: clinical testing. Allele origin: unknown.
Comment: NM_025114.3(CEP290):c.6394_6397dupAAAA(T2133Kfs*11) is expected to be pathogenic in the context of CEP290-related disorders. This variant is predicted to lead to an abnormal or absent protein product due to the creation of a premature termination codon in CEP290, a gene where loss-of-function variants are known to be pathogenic. Please note: this variant was assessed in the context of healthy population screening.